The following is an entry in ClinVar:

NM_014908.4(DOLK):c.523G>A (p.Val175Ile)

Gene: DOLK (dolichol kinase; minus strand). Cytogenetic location: 9q34.11.
Variant type: single nucleotide variant.
Coding change: c.523G>A on transcript NM_014908.4 (MANE Select); coding-DNA position 523, G replaced by A.
Protein change: p.Val175Ile; replaces valine 175 with isoleucine.
Molecular consequence: missense variant.
Genome position (GRCh38, 1-based): chr9:128,946,781, C>T on the plus strand (G>A on the coding strand, the complement: DOLK is on the minus strand). VCF-style: chr9-128946781-C-T. GRCh37 (hg19) VCF-style: chr9-131709060-C-T.
Other names: short protein forms V175I.
Identifiers: ClinVar variation 861613 (VCV000861613.8), dbSNP rs145177598, ClinGen allele CA5271729.

ClinVar aggregate classification (germline): Uncertain significance (1 of 4 stars; one submission).

Conditions:
DK1-congenital disorder of glycosylation. Also called: DOLK-congenital disorder of glycosylation; Carbohydrate deficient glycoprotein syndrome type 1m; DK1-CDG; CONGENITAL DISORDER OF GLYCOSYLATION, TYPE Im; CDG Im; DK1 DEFICIENCY. Identifiers: Orphanet 91131, MedGen C1835849, MONDO:0012556, OMIM 610768.

Allele frequency attached by ClinVar (database versions not stated): gnomAD 0.00001; ExAC 0.00002; ESP Exome Variant Server 0.00008; TOPMed below 0.00001.
gnomAD v4.1: 3 of 1,613,846 alleles (0.00019%); highest among the groups gnomAD compares: Admixed American, 0.0017%; no homozygotes.

Submission:

Labcorp Genetics (formerly Invitae), Labcorp
Classification: Uncertain significance for DK1-congenital disorder of glycosylation. Last evaluated: 2019-01-03. Review status: criteria provided, single submitter. Criteria: Invitae Variant Classification Sherloc (09022015). Collection method: clinical testing. Allele origin: germline.
Comment: This variant is present in population databases (rs145177598, ExAC 0.01%). This sequence change replaces valine with isoleucine at codon 175 of the DOLK protein (p.Val175Ile). The valine residue is moderately conserved and there is a small physicochemical difference between valine and isoleucine. This variant has not been reported in the literature in individuals with DOLK-related conditions. In summary, the available evidence is currently insufficient to determine the role of this variant in disease. Therefore, it has been classified as a Variant of Uncertain Significance. Algorithms developed to predict the effect of missense changes on protein structure and function are either unavailable or do not agree on the potential impact of this missense change (SIFT: "Tolerated"; PolyPhen-2: "Probably Damaging"; Align-GVGD: "Class C0").